The following is an entry in ClinVar:

ClinVar aggregate classification (germline): Benign/Likely benign. Review status: criteria provided, multiple submitters, no conflicts (2 of 4 stars). 3 submissions from 3 submitters: Benign (1); Likely benign (2). Last evaluated 2026-06-12.

Conditions:
Inborn genetic diseases. Identifiers: MedGen C0950123, MeSH D030342.
Tumor predisposition syndrome 2 (TPDS2). Also called: MBD4-Related Tumor Predisposition Syndrome; MBD4-associated neoplasia syndrome (MANS); MBD4-ASSOCIATED NEOPLASIA SYNDROME. Identifiers: Orphanet 661526, MedGen C5774186, MONDO:0859267, OMIM 619975.

gnomAD v4.1: 2 of 1,614,058 alleles (0.00012%); highest among the groups gnomAD compares: Admixed American, 0.0017%; no homozygotes.

Submissions (3):

Myriad Genetics, Inc.
Classification: Benign for Tumor predisposition syndrome 2. Last evaluated: 2026-06-12. Review status: criteria provided, single submitter. Criteria: Myriad Autosomal Dominant, Autosomal Recessive and X-Linked Classification Criteria (2023). Collection method: clinical testing. Allele origin: unknown.
Comment: This variant is considered benign. This variant is a silent/synonymous amino acid change and it is not expected to impact splicing.

Ambry Genetics
Classification: Likely benign for Inborn genetic diseases. Last evaluated: 2025-10-28. Review status: criteria provided, single submitter. Criteria: Ambry Variant Classification Scheme 2023. Collection method: clinical testing. Allele origin: germline.

Labcorp Genetics (formerly Invitae), Labcorp
Classification: Likely benign. Last evaluated: 2025-07-23. Review status: criteria provided, single submitter. Criteria: Invitae Variant Classification Sherloc (09022015). Collection method: clinical testing. Allele origin: germline.

NM_001276270.2(MBD4):c.1617C>T (p.Tyr539=)

Gene: MBD4 (methyl-CpG binding domain 4, DNA glycosylase; minus strand). Cytogenetic location: 3q21.3.
Variant type: single nucleotide variant.
Coding change: c.1617C>T on transcript NM_001276270.2 (MANE Select); coding-DNA position 1617, C replaced by T.
Protein change: p.Tyr539=; no amino-acid change (tyrosine 539 retained).
Molecular consequence: synonymous variant. On other transcripts: intron variant (1).
Genome position (GRCh38, 1-based): chr3:129,432,533, G>A on the plus strand (C>T on the coding strand, the complement: MBD4 is on the minus strand). VCF-style: chr3-129432533-G-A. GRCh37 (hg19) VCF-style: chr3-129151376-G-A.
Other names: c.1635C>T, p.Tyr545= (NM_001276271.2, NM_003925.3); c.681C>T, p.Tyr227= (NM_001276273.2); c.1612+23C>T (NM_001276272.2).
Identifiers: ClinVar variation 3685059 (VCV003685059.5).